The following is an entry in ClinVar:

ClinVar aggregate classification (germline): Uncertain significance (1 of 4 stars; one submission).

Submission:

Labcorp Genetics (formerly Invitae), Labcorp
Classification: Uncertain significance. Last evaluated: 2022-06-13. Review status: criteria provided, single submitter. Criteria: Invitae Variant Classification Sherloc (09022015). Collection method: clinical testing. Allele origin: germline.
Comment: In summary, the available evidence is currently insufficient to determine the role of this variant in disease. Therefore, it has been classified as a Variant of Uncertain Significance. Algorithms developed to predict the effect of missense changes on protein structure and function (SIFT, PolyPhen-2, Align-GVGD) all suggest that this variant is likely to be tolerated. ClinVar contains an entry for this variant (Variation ID: 1018445). This variant has not been reported in the literature in individuals affected with RIMS1-related conditions. This variant is not present in population databases (gnomAD no frequency). This sequence change replaces glutamic acid, which is acidic and polar, with glycine, which is neutral and non-polar, at codon 320 of the RIMS1 protein (p.Glu320Gly).

NM_014989.7(RIMS1):c.959A>G (p.Glu320Gly)

Gene: RIMS1 (regulating synaptic membrane exocytosis 1; plus strand). Cytogenetic location: 6q13.
Variant type: single nucleotide variant.
Coding change: c.959A>G on transcript NM_014989.7 (MANE Select); coding-DNA position 959, A replaced by G.
Protein change: p.Glu320Gly; replaces glutamic acid 320 with glycine.
Molecular consequence: missense variant.
Genome position (GRCh38, 1-based): chr6:72,182,430, A>G. VCF-style: chr6-72182430-A-G. GRCh37 (hg19) VCF-style: chr6-72892133-A-G.
Other names: short protein forms E320G.
Identifiers: ClinVar variation 1018445 (VCV001018445.8), dbSNP rs2048522093, ClinGen allele CA364819853.